The following is an entry in ClinVar:

NM_001134363.3(RBM20):c.1275+6T>C

Gene: RBM20 (RNA binding motif protein 20; plus strand). Cytogenetic location: 10q25.2.
Variant type: single nucleotide variant.
Coding change: c.1275+6T>C on transcript NM_001134363.3 (MANE Select); 6 bases into the intron after coding-DNA position 1275, T replaced by C.
Molecular consequence: intron variant.
Genome position (GRCh38, 1-based): chr10:110,781,890, T>C. VCF-style: chr10-110781890-T-C. GRCh37 (hg19) VCF-style: chr10-112541648-T-C.
Identifiers: ClinVar variation 2175693 (VCV002175693.4), dbSNP rs1436113272, ClinGen allele CA659827683.

ClinVar aggregate classification (germline): Uncertain significance (1 of 4 stars; one submission).

Conditions:
Dilated cardiomyopathy 1DD (CMD1DD). Identifiers: Orphanet 154, MedGen C2750995, MONDO:0013168, OMIM 613172.

Allele frequency attached by ClinVar (database versions not stated): gnomAD 0.00001; TOPMed 0.00002.
gnomAD v4.1: 1 of 1,551,584 alleles (0.000064%); highest among the groups gnomAD compares: African/African-American, 0.0014%; no homozygotes.

Submission:

Labcorp Genetics (formerly Invitae), Labcorp
Classification: Uncertain significance for Dilated cardiomyopathy 1DD. Last evaluated: 2024-07-16. Review status: criteria provided, single submitter. Criteria: Invitae Variant Classification Sherloc (09022015). Collection method: clinical testing. Allele origin: germline.
Comment: This sequence change falls in intron 2 of the RBM20 gene. It does not directly change the encoded amino acid sequence of the RBM20 protein. It affects a nucleotide within the consensus splice site. This variant is not present in population databases (gnomAD no frequency). This variant has not been reported in the literature in individuals affected with RBM20-related conditions. ClinVar contains an entry for this variant (Variation ID: 2175693). Variants that disrupt the consensus splice site are a relatively common cause of aberrant splicing (PMID: 17576681, 9536098). Algorithms developed to predict the effect of sequence changes on RNA splicing suggest that this variant is not likely to affect RNA splicing. In summary, the available evidence is currently insufficient to determine the role of this variant in disease. Therefore, it has been classified as a Variant of Uncertain Significance.

Literature cited by the submitters: PubMed 17576681; PubMed 9536098.